The following is an entry in ClinVar:

NM_001267550.2(TTN):c.35429del (p.Arg11810fs)

Gene: TTN (titin; minus strand). Cytogenetic location: 2q31.2.
Variant type: Deletion.
Coding change: c.35429del on transcript NM_001267550.2 (MANE Select); coding-DNA position 35429, one base deleted (G; older notation c.35429delG).
Protein change: p.Arg11810fs; shifts the reading frame from arginine 11810.
Molecular consequence: frameshift variant. On other transcripts: intron variant (5).
Genome position (GRCh38, 1-based): chr2:178,669,633, C deleted on the plus strand (G on the coding strand, the reverse complement: TTN is on the minus strand). VCF-style (leftmost placement, unchanged base first): chr2-178669632-AC-A. GRCh37 (hg19) VCF-style: chr2-179534359-AC-A.
Other names: c.35429del (NM_001267550.1); c.13283-27316del (NM_003319.4); c.13859-27316del (NM_133437.4); c.13658-27316del (NM_133432.3); c.31483+585del (NM_133378.4); c.34264+585del (NM_001256850.1); short protein forms R11810fs.
Identifiers: ClinVar variation 1395942 (VCV001395942.7), dbSNP rs2154263436, ClinGen allele CA2573133852.

ClinVar aggregate classification (germline): Likely pathogenic. Review status: criteria provided, multiple submitters, no conflicts (2 of 4 stars). 2 submissions from 2 submitters: Likely pathogenic (2). Last evaluated 2024-10-18.

Conditions:
Dilated cardiomyopathy 1G (CMD1G). Identifiers: Orphanet 154, MedGen C1858763, MONDO:0011400, OMIM 604145.
Autosomal recessive limb-girdle muscular dystrophy type 2J (LGMDR10). Also called: Limb-girdle muscular dystrophy, type 2J; MUSCULAR DYSTROPHY, LIMB-GIRDLE, AUTOSOMAL RECESSIVE 10. Identifiers: Orphanet 140922, MedGen C1837342, MONDO:0012127, OMIM 608807.

Submissions (2):

Labcorp Genetics (formerly Invitae), Labcorp
Classification: Likely pathogenic for Dilated cardiomyopathy 1G; Autosomal recessive limb-girdle muscular dystrophy type 2J. Last evaluated: 2024-10-18. Review status: criteria provided, single submitter. Criteria: Invitae Variant Classification Sherloc (09022015). Collection method: clinical testing. Allele origin: germline.
Comment: This sequence change creates a premature translational stop signal (p.Arg11810Leufs*5) in the TTN gene. While this is not anticipated to result in nonsense mediated decay, it is expected to create a truncated TTN protein. This variant is not present in population databases (gnomAD no frequency). This variant has not been reported in the literature in individuals affected with TTN-related conditions. ClinVar contains an entry for this variant (Variation ID: 1395942). Algorithms developed to predict the effect of sequence changes on RNA splicing suggest that this variant may disrupt the consensus splice site. This variant is located in the I band of TTN (PMID: 25589632). Truncating variants in this region have been reported in individuals affected with autosomal recessive centronuclear myopathy (PMID: 23975875, internal data). Truncating variants in this region have also been identified in individuals affected with autosomal dominant dilated cardiomyopathy and/or cardio-related conditions (PMID: 27869827, 32964742, internal data). In summary, the currently available evidence indicates that the variant is pathogenic, but additional data are needed to prove that conclusively. Therefore, this variant has been classified as Likely Pathogenic.

GeneDx
Classification: Likely pathogenic. Last evaluated: 2024-04-17. Review status: criteria provided, single submitter. Criteria: GeneDx Variant Classification Process June 2021. Collection method: clinical testing. Allele origin: germline. Affected: yes.
Comment: Frameshift variant predicted to result in protein truncation or nonsense mediated decay in a gene for which loss of function is a known mechanism of disease; Not observed at significant frequency in large population cohorts (gnomAD); Has not been previously published as pathogenic or benign to our knowledge; This variant is associated with the following publications: (PMID: 27625338, 27869827)

Literature cited by the submitters: PubMed 25589632 (cited by Labcorp Genetics (formerly Invitae), Labcorp); PubMed 23975875 (cited by Labcorp Genetics (formerly Invitae), Labcorp); PubMed 27869827 (cited by Labcorp Genetics (formerly Invitae), Labcorp); PubMed 32964742 (cited by Labcorp Genetics (formerly Invitae), Labcorp).